The following is an entry in ClinVar:

ClinVar aggregate classification (germline): Pathogenic. Review status: criteria provided, multiple submitters, no conflicts (2 of 4 stars). 2 submissions from 2 submitters: Pathogenic (2). Last evaluated 2021-07-12.

Conditions:
Familial thoracic aortic aneurysm and aortic dissection (TAAD). Also called: Thoracic aortic aneurysms and dissections. Identifiers: Orphanet 91387, MedGen C4707243, MONDO:0019625.
Marfan syndrome (MFS). Also called: FBN1-Related Marfan Syndrome; Marfan syndrome type 1; Marfan's syndrome; Marfan syndrome, classic; MARFAN SYNDROME, TYPE I. Identifiers: Orphanet 284963, Orphanet 558, MedGen C0024796, MONDO:0007947, OMIM 154700.

Submissions (2):

Labcorp Genetics (formerly Invitae), Labcorp
Classification: Pathogenic for Marfan syndrome; Familial thoracic aortic aneurysm and aortic dissection. Last evaluated: 2021-07-12. Review status: criteria provided, single submitter. Criteria: Invitae Variant Classification Sherloc (09022015). Collection method: clinical testing. Allele origin: germline.
Comment: This sequence change affects a donor splice site in intron 17 of the FBN1 gene. It is expected to disrupt RNA splicing. Variants that disrupt the donor or acceptor splice site typically lead to a loss of protein function (PMID: 16199547), and loss-of-function variants in FBN1 are known to be pathogenic (PMID: 17657824, 19293843). This variant is not present in population databases (ExAC no frequency). Disruption of this splice site has been observed in individual(s) with clinical features of Marfan syndrome (PMID: 26787436; Invitae). In at least one individual the variant was observed to be de novo. Algorithms developed to predict the effect of sequence changes on RNA splicing suggest that this variant may disrupt the consensus splice site. For these reasons, this variant has been classified as Pathogenic.

Ambry Genetics
Classification: Pathogenic for Familial thoracic aortic aneurysm and aortic dissection. Last evaluated: 2015-06-30. Review status: criteria provided, single submitter. Criteria: Ambry Variant Classification Scheme 2023. Collection method: clinical testing. Allele origin: germline.
Comment: The c.2113+1G>A intronic pathogenic mutation results from a G to A substitution one nucleotide after coding exon 16 of the FBN1 gene. Since alterations that disrupt the canonical splice donor site are typically deleterious in nature, this alteration is interpreted as a disease-causing mutation (ACMG Recommendations for Standards for Interpretation and Reporting of Sequence Variations. Revision 2007. Genet Med. 2008;10:294).

Literature cited by the submitters: PubMed 16199547 (cited by Labcorp Genetics (formerly Invitae), Labcorp); PubMed 17657824 (cited by Labcorp Genetics (formerly Invitae), Labcorp); PubMed 19293843 (cited by Labcorp Genetics (formerly Invitae), Labcorp); PubMed 26787436 (cited by Labcorp Genetics (formerly Invitae), Labcorp).

NM_000138.5(FBN1):c.2113+1G>A

Gene: FBN1 (fibrillin 1; minus strand). Cytogenetic location: 15q21.1.
Variant type: single nucleotide variant.
Coding change: c.2113+1G>A on transcript NM_000138.5 (MANE Select); the canonical splice donor site of the intron after coding-DNA position 2113, G replaced by A.
Molecular consequence: splice donor variant.
Genome position (GRCh38, 1-based): chr15:48,503,786, C>T on the plus strand (G>A on the coding strand, the complement: FBN1 is on the minus strand). VCF-style: chr15-48503786-C-T. GRCh37 (hg19) VCF-style: chr15-48795983-C-T.
Other names: c.2113+1G>A (NM_001406716.1).
Identifiers: ClinVar variation 582881 (VCV000582881.9), dbSNP rs1566913670, ClinGen allele CA392337853.